The following is an entry in ClinVar:

ClinVar aggregate classification (germline): Uncertain significance (1 of 4 stars; one submission).

gnomAD v4.1: 1 of 1,613,928 alleles (0.000062%); highest among the groups gnomAD compares: Admixed American, 0.0017%; no homozygotes.

Submission:

Labcorp Genetics (formerly Invitae), Labcorp
Classification: Uncertain significance. Last evaluated: 2025-09-12. Review status: criteria provided, single submitter. Criteria: Invitae Variant Classification Sherloc (09022015). Collection method: clinical testing. Allele origin: germline.
Comment: This sequence change replaces valine, which is neutral and non-polar, with phenylalanine, which is neutral and non-polar, at codon 805 of the KANK4 protein (p.Val805Phe). The frequency data for this variant in the population databases is considered unreliable, as metrics indicate poor data quality at this position in the gnomAD database. This variant has not been reported in the literature in individuals affected with KANK4-related conditions. An algorithm developed to predict the effect of missense changes on protein structure and function outputs the following: PolyPhen-2: "Probably Damaging". The phenylalanine amino acid residue is found in multiple mammalian species, which suggests that this missense change does not adversely affect protein function. In summary, the available evidence is currently insufficient to determine the role of this variant in disease. Therefore, it has been classified as a Variant of Uncertain Significance.

NM_181712.5(KANK4):c.2413G>T (p.Val805Phe)

Gene: KANK4 (KN motif and ankyrin repeat domains 4; minus strand). Cytogenetic location: 1p31.3.
Variant type: single nucleotide variant.
Coding change: c.2413G>T on transcript NM_181712.5 (MANE Select); coding-DNA position 2413, G replaced by T.
Protein change: p.Val805Phe; replaces valine 805 with phenylalanine.
Molecular consequence: missense variant.
Genome position (GRCh38, 1-based): chr1:62,263,218, C>A on the plus strand (G>T on the coding strand, the complement: KANK4 is on the minus strand). VCF-style: chr1-62263218-C-A. GRCh37 (hg19) VCF-style: chr1-62728890-C-A.
Other names: c.529G>T, p.Val177Phe (NM_001320269.2); short protein forms V177F, V805F.
Identifiers: ClinVar variation 4726795 (VCV004726795.1).
Genomic context (GRCh38, chr1:62,263,218, plus strand): 5'-TCCCGTTGTGATCGGCCAAGTTGACAAGCAGTTTCAGGAAGTGTGGGGAGTGAGGCTGGA[C>A]CTCGTGGAGGTAGGAGGCCACCACGGCGGGGCTAGACGACTTCCGGCTGGAGACGCGGAA-3'
Protein context (NP_859063.3, residues 795-815): PAVVASYLHE[Val805Phe]QPHSPHFLKL